The following is an entry in ClinVar:

ClinVar aggregate classification (germline): Conflicting classifications of pathogenicity. Review status: criteria provided, conflicting classifications (1 of 4 stars). 8 submissions from 8 submitters: Uncertain significance (7); Likely benign (1). Last evaluated 2025-12-23.

Conditions:
Pancreatic cancer, susceptibility to, 3. Identifiers: Orphanet 1333, MedGen C3150547, MONDO:0013236, OMIM 613348.
Breast-ovarian cancer, familial, susceptibility to, 5 (BROVCA5). Identifiers: MedGen C5830615, MONDO:0957530, OMIM 620442.
Fanconi anemia complementation group N. Also called: PALB2-Related Fanconi Anemia. Identifiers: Orphanet 84, MedGen C1835817, MONDO:0012565, OMIM 610832. Disease mechanism: loss of function.
Familial cancer of breast. Also called: Hereditary breast cancer; hereditary breast carcinoma; BREAST CANCER, FAMILIAL. Identifiers: Orphanet 227535, MedGen C0346153, MONDO:0016419, OMIM 114480. Disease mechanism: loss of function.
Hereditary cancer-predisposing syndrome. Also called: Hereditary neoplastic syndrome; Neoplastic Syndromes, Hereditary; Tumor predisposition; Hereditary Cancer Syndrome. Identifiers: Orphanet 140162, MedGen C0027672, MeSH D009386, MONDO:0015356.

Allele frequency attached by ClinVar (database versions not stated): gnomAD 0.00001; TOPMed 0.00001.
gnomAD v4.1: 1 of 1,608,834 alleles (0.000062%); highest among the groups gnomAD compares: Non-Finnish European, 0.000085%; no homozygotes.

Submissions (8):

Labcorp Genetics (formerly Invitae), Labcorp
Classification: Uncertain significance for Familial cancer of breast. Last evaluated: 2025-12-23. Review status: criteria provided, single submitter. Criteria: Invitae Variant Classification Sherloc (09022015). Collection method: clinical testing. Allele origin: germline.
Comment: This sequence change replaces histidine, which is basic and polar, with leucine, which is neutral and non-polar, at codon 69 of the PALB2 protein (p.His69Leu). This variant is not present in population databases (gnomAD no frequency). This variant has not been reported in the literature in individuals affected with PALB2-related conditions. ClinVar contains an entry for this variant (Variation ID: 410167). An algorithm developed to predict the effect of missense changes on protein structure and function (PolyPhen-2) suggests that this variant is likely to be tolerated. In summary, the available evidence is currently insufficient to determine the role of this variant in disease. Therefore, it has been classified as a Variant of Uncertain Significance.

Myriad Genetics, Inc.
Classification: Likely benign for Familial cancer of breast. Last evaluated: 2025-02-27. Review status: criteria provided, single submitter. Criteria: Myriad Autosomal Dominant, Autosomal Recessive and X-Linked Classification Criteria (2023). Collection method: clinical testing. Allele origin: unknown.
Comment: This variant is considered likely benign. This variant is strongly associated with less severe personal and family histories of cancer, typical for individuals without pathogenic variants in this gene [PMID: 25085752].

Fulgent Genetics
Classification: Uncertain significance for Fanconi anemia complementation group N; Pancreatic cancer, susceptibility to, 3; Breast-ovarian cancer, familial, susceptibility to, 5. Last evaluated: 2024-03-16. Review status: criteria provided, single submitter. Criteria: ACMG Guidelines, 2015. Collection method: clinical testing. Allele origin: germline.

Ambry Genetics
Classification: Uncertain significance for Hereditary cancer-predisposing syndrome. Last evaluated: 2024-01-26. Review status: criteria provided, single submitter. Criteria: Ambry Variant Classification Scheme 2023. Collection method: clinical testing. Allele origin: germline.
Comment: The p.H69L variant (also known as c.206A>T), located in coding exon 3 of the PALB2 gene, results from an A to T substitution at nucleotide position 206. The histidine at codon 69 is replaced by leucine, an amino acid with similar properties. This amino acid position is not well conserved in available vertebrate species. In addition, this alteration is predicted to be tolerated by in silico analysis. Since supporting evidence is limited at this time, the clinical significance of this alteration remains unclear.

Color Diagnostics, LLC DBA Color Health
Classification: Uncertain significance for Hereditary cancer-predisposing syndrome. Last evaluated: 2023-12-04. Review status: criteria provided, single submitter. Criteria: ACMG Guidelines, 2015. Collection method: clinical testing. Allele origin: germline.
Comment: This missense variant replaces histidine with leucine at codon 69 of the PALB2 protein. Computational prediction suggests that this variant may not impact protein structure and function (internally defined REVEL score threshold <= 0.5, PMID: 27666373). To our knowledge, functional studies have not been reported for this variant. This variant has not been reported in individuals affected with PALB2-related disorders in the literature. This variant has not been identified in the general population by the Genome Aggregation Database (gnomAD). The available evidence is insufficient to determine the role of this variant in disease conclusively. Therefore, this variant is classified as a Variant of Uncertain Significance.

GeneDx
Classification: Uncertain significance. Last evaluated: 2023-04-22. Review status: criteria provided, single submitter. Criteria: GeneDx Variant Classification Process June 2021. Collection method: clinical testing. Allele origin: germline. Affected: yes.
Comment: Not observed at significant frequency in large population cohorts (gnomAD); In silico analysis supports that this missense variant has a deleterious effect on protein structure/function; Has not been previously published as pathogenic or benign to our knowledge; This variant is associated with the following publications: (PMID: 19369211, 20871615)

Sema4
Classification: Uncertain significance for Hereditary cancer-predisposing syndrome. Last evaluated: 2022-02-16. Review status: criteria provided, single submitter. Criteria: Sema4 Curation Guidelines. Collection method: curation. Allele origin: germline.
Comment: The PALB2 c.206A>T (p.H69L) variant has not been reported in the literature to our knowledge. It was not observed in the large and broad cohorts of the Genome Aggregation Database (PMID: 32461654). The variant has been reported in ClinVar (Variation ID 410167). In silico tools suggest the impact of the variant on protein function is benign, though these predictions have not been confirmed by functional studies. The evidence is insufficient to meet ACMG/AMP criteria for classifying the variant as benign or pathogenic. Thus, the clinical significance of this variant is currently uncertain.

Quest Diagnostics Nichols Institute San Juan Capistrano
Classification: Uncertain significance. Last evaluated: 2021-04-01. Review status: criteria provided, single submitter. Criteria: Quest Diagnostics criteria. Collection method: clinical testing. Allele origin: unknown.

Literature cited by the submitters: PubMed 25085752 (cited by Myriad Genetics, Inc.).

NM_024675.4(PALB2):c.206A>T (p.His69Leu)

Gene: PALB2 (partner and localizer of BRCA2; minus strand). Cytogenetic location: 16p12.2.
Variant type: single nucleotide variant.
Coding change: c.206A>T on transcript NM_024675.4 (MANE Select); coding-DNA position 206, A replaced by T.
Protein change: p.His69Leu; replaces histidine 69 with leucine.
Molecular consequence: missense variant.
Genome position (GRCh38, 1-based): chr16:23,637,855, T>A on the plus strand (A>T on the coding strand, the complement: PALB2 is on the minus strand). VCF-style: chr16-23637855-T-A. GRCh37 (hg19) VCF-style: chr16-23649176-T-A.
Other names: short protein forms H69L.
Identifiers: ClinVar variation 410167 (VCV000410167.22), dbSNP rs749443090, ClinGen allele CA16615126.
Genomic context (GRCh38, chr16:23,637,855, plus strand): 5'-AATATACCTGGGAAATGAATAATAAAGCAGGCATAAGTGAATGGTCTAGATTTACCTGAG[T>A]GTTTTAGCTGCGGTGAGAGATCCTGCTGAGACAAACAATCTTGTTCTTCTACTGTTTTCT-3'
Protein context (NP_078951.2, residues 59-79): SQQDLSPQLK[His69Leu]SEPKNKICVY